The following is an entry in ClinVar:

NM_001128225.3(SLC39A13):c.35C>T (p.Ala12Val)

Gene: SLC39A13 (solute carrier family 39 member 13; plus strand). Cytogenetic location: 11p11.2.
Variant type: single nucleotide variant.
Coding change: c.35C>T on transcript NM_001128225.3 (MANE Select); coding-DNA position 35, C replaced by T.
Protein change: p.Ala12Val; replaces alanine 12 with valine.
Molecular consequence: missense variant. On other transcripts: non-coding transcript variant (1).
Genome position (GRCh38, 1-based): chr11:47,410,129, C>T. VCF-style: chr11-47410129-C-T. GRCh37 (hg19) VCF-style: chr11-47431680-C-T.
Other names: c.35C>T, p.Ala12Val (NM_001330245.2, NM_152264.5); short protein forms A12V.
Identifiers: ClinVar variation 652451 (VCV000652451.10), dbSNP rs556023069, ClinGen allele CA5975644.

ClinVar aggregate classification (germline): Uncertain significance. Review status: criteria provided, multiple submitters, no conflicts (2 of 4 stars). 2 submissions from 2 submitters: Uncertain significance (2). Last evaluated 2024-11-13.

Conditions:
Ehlers-Danlos syndrome, spondylodysplastic type, 3. Also called: Ehlers-Danlos syndrome, spondylocheirodysplastic type. Identifiers: Orphanet 157965, MedGen C2676510, MONDO:0012873, OMIM 612350.

Allele frequency attached by ClinVar (database versions not stated): gnomAD 0.00002; TOPMed 0.00002; ExAC 0.00005; gnomAD exomes 0.00005; 1000 Genomes Project 30x 0.00016; 1000 Genomes Project 0.00020.
gnomAD v4.1: 52 of 1,613,134 alleles (0.0032%); highest among the groups gnomAD compares: Middle Eastern, 0.017%; no homozygotes.

Submissions (2):

GeneDx
Classification: Uncertain significance. Last evaluated: 2024-11-13. Review status: criteria provided, single submitter. Criteria: GeneDx Variant Classification Process June 2021. Collection method: clinical testing. Allele origin: germline. Affected: yes.
Comment: Not observed at significant frequency in large population cohorts (gnomAD); In silico analysis indicates that this missense variant does not alter protein structure/function; Has not been previously published as pathogenic or benign to our knowledge

Labcorp Genetics (formerly Invitae), Labcorp
Classification: Uncertain significance for Ehlers-Danlos syndrome, spondylodysplastic type, 3. Last evaluated: 2023-08-04. Review status: criteria provided, single submitter. Criteria: Invitae Variant Classification Sherloc (09022015). Collection method: clinical testing. Allele origin: germline.
Comment: This sequence change replaces alanine, which is neutral and non-polar, with valine, which is neutral and non-polar, at codon 12 of the SLC39A13 protein (p.Ala12Val). This variant is present in population databases (rs556023069, gnomAD 0.008%). This variant has not been reported in the literature in individuals affected with SLC39A13-related conditions. ClinVar contains an entry for this variant (Variation ID: 652451). Algorithms developed to predict the effect of missense changes on protein structure and function output the following: SIFT: "Not Available"; PolyPhen-2: "Benign"; Align-GVGD: "Not Available". The valine amino acid residue is found in multiple mammalian species, which suggests that this missense change does not adversely affect protein function. In summary, the available evidence is currently insufficient to determine the role of this variant in disease. Therefore, it has been classified as a Variant of Uncertain Significance.